The following is an entry in ClinVar:

NM_020247.5(COQ8A):c.337G>T (p.Glu113Ter)

Gene: COQ8A (coenzyme Q8A; plus strand). Cytogenetic location: 1q42.13.
Variant type: single nucleotide variant.
Coding change: c.337G>T on transcript NM_020247.5 (MANE Select); coding-DNA position 337, G replaced by T.
Protein change: p.Glu113Ter; replaces glutamic acid 113 with a stop codon.
Molecular consequence: nonsense.
Genome position (GRCh38, 1-based): chr1:226,965,159, G>T. VCF-style: chr1-226965159-G-T. GRCh37 (hg19) VCF-style: chr1-227152860-G-T.
Other names: short protein forms E113*.
Identifiers: ClinVar variation 523883 (VCV000523883.7), dbSNP rs765966679, ClinGen allele CA345050148.

ClinVar aggregate classification (germline): Likely pathogenic. Review status: criteria provided, multiple submitters, no conflicts (2 of 4 stars). 2 submissions from 2 submitters: Likely pathogenic (2). Last evaluated 2024-12-31.

Conditions:
Autosomal recessive ataxia due to ubiquinone deficiency. Also called: SPINOCEREBELLAR ATAXIA, AUTOSOMAL RECESSIVE 9; Coenzyme Q10 deficiency, primary, 4. Identifiers: Orphanet 139485, MedGen C2677589, MONDO:0012784, OMIM 612016.

gnomAD v4.1: 1 of 1,613,850 alleles (0.000062%); highest among the groups gnomAD compares: Non-Finnish European, 0.000085%; no homozygotes.

Submissions (2):

Athena Diagnostics
Classification: Likely pathogenic. Last evaluated: 2024-12-31. Review status: criteria provided, single submitter. Criteria: Athena Diagnostics Criteria. Collection method: clinical testing. Allele origin: unknown.
Comment: This variant is expected to result in the loss of a functional protein. This variant has not been reported in large, multi-ethnic general populations.

GeneDx
Classification: Likely pathogenic. Last evaluated: 2019-07-02. Review status: criteria provided, single submitter. Criteria: GeneDx Variant Classification Process June 2021. Collection method: clinical testing. Allele origin: germline. Affected: yes.
Comment: Nonsense variant predicted to result in protein truncation or nonsense mediated decay in a gene for which loss-of-function is a known mechanism of disease; Not observed in large population cohorts (Lek et al., 2016); Has not been previously published as pathogenic or benign to our knowledge